The following is an entry in ClinVar:

ClinVar aggregate classification (germline): Uncertain significance (1 of 4 stars; one submission).

Conditions:
Short stature-brachydactyly-obesity-global developmental delay syndrome. Also called: SHORT STATURE, BRACHYDACTYLY, IMPAIRED INTELLECTUAL DEVELOPMENT, AND SEIZURES; Short stature, brachydactyly, intellectual developmental disability, and seizures. Identifiers: Orphanet 464288, MedGen C4310689, MONDO:0014944, OMIM 617157.

Submission:

Baylor Genetics
Classification: Uncertain significance for Short stature-brachydactyly-obesity-global developmental delay syndrome. Last evaluated: 2018-05-11. Review status: criteria provided, single submitter. Criteria: ACMG Guidelines, 2015. Collection method: clinical testing. Allele origin: unknown. Affected: yes.
Comment: This variant was determined to be of uncertain significance according to ACMG Guidelines, 2015 [PMID:25741868].

NM_019023.5(PRMT7):c.282+3A>G

Gene: PRMT7 (protein arginine methyltransferase 7; plus strand). Cytogenetic location: 16q22.1.
Variant type: single nucleotide variant.
Coding change: c.282+3A>G on transcript NM_019023.5 (MANE Select); 3 bases into the intron after coding-DNA position 282, A replaced by G.
Molecular consequence: intron variant.
Genome position (GRCh38, 1-based): chr16:68,324,835, A>G. VCF-style: chr16-68324835-A-G. GRCh37 (hg19) VCF-style: chr16-68358738-A-G.
Other names: c.45+3A>G (NM_001378022.1, NM_001378021.1, NM_001378023.1); c.282+3A>G (NM_001351143.3, NM_001351144.3, NM_001378018.1 and 1 more transcripts); c.132+3373A>G (NM_001184824.4); c.184+3A>G (NM_001378020.1).
Identifiers: ClinVar variation 1032054 (VCV001032054.1), dbSNP rs2082913032, ClinGen allele CA2229751721.